The following is an entry in ClinVar:

ClinVar aggregate classification (germline): Uncertain significance (1 of 4 stars; one submission).

Allele frequency attached by ClinVar (database versions not stated): gnomAD exomes 0.00001 and 0.00004; ExAC 0.00005; TOPMed 0.00011; gnomAD 0.00014 and 0.00015; ESP Exome Variant Server 0.00023; 1000 Genomes Project 30x 0.00031; 1000 Genomes Project 0.00040.
gnomAD v4.1: 42 of 1,611,802 alleles (0.0026%); highest among the groups gnomAD compares: African/African-American, 0.041%; no homozygotes.

Submission:

Labcorp Genetics (formerly Invitae), Labcorp
Classification: Uncertain significance. Last evaluated: 2024-02-02. Review status: criteria provided, single submitter. Criteria: Invitae Variant Classification Sherloc (09022015). Collection method: clinical testing. Allele origin: germline.
Comment: This sequence change replaces phenylalanine, which is neutral and non-polar, with leucine, which is neutral and non-polar, at codon 1034 of the ATP2B4 protein (p.Phe1034Leu). This variant is present in population databases (rs147064623, gnomAD 0.03%). This variant has not been reported in the literature in individuals affected with ATP2B4-related conditions. ClinVar contains an entry for this variant (Variation ID: 1406664). Advanced modeling of protein sequence and biophysical properties (such as structural, functional, and spatial information, amino acid conservation, physicochemical variation, residue mobility, and thermodynamic stability) performed at Invitae indicates that this missense variant is not expected to disrupt ATP2B4 protein function with a negative predictive value of 80%. In summary, the available evidence is currently insufficient to determine the role of this variant in disease. Therefore, it has been classified as a Variant of Uncertain Significance.

NM_001684.5(ATP2B4):c.3100T>C (p.Phe1034Leu)

Gene: ATP2B4 (ATPase plasma membrane Ca2+ transporting 4; plus strand). Cytogenetic location: 1q32.1.
Variant type: single nucleotide variant.
Coding change: c.3100T>C on transcript NM_001684.5 (MANE Select); coding-DNA position 3100, T replaced by C.
Protein change: p.Phe1034Leu; replaces phenylalanine 1034 with leucine.
Molecular consequence: missense variant.
Genome position (GRCh38, 1-based): chr1:203,723,956, T>C. VCF-style: chr1-203723956-T-C. GRCh37 (hg19) VCF-style: chr1-203693084-T-C.
Other names: c.3100T>C, p.Phe1034Leu (NM_001001396.3, NM_001365783.2, NM_001365784.2); short protein forms F1034L.
Identifiers: ClinVar variation 1406664 (VCV001406664.6), dbSNP rs147064623, ClinGen allele CA1342038.